The following is an entry in ClinVar:

ClinVar aggregate classification (germline): Pathogenic/Likely pathogenic. Review status: criteria provided, multiple submitters, no conflicts (2 of 4 stars). 33 submissions from 31 submitters: Pathogenic (23); Likely pathogenic (4). 6 of the submissions do not count toward it. Last evaluated 2026-08-19.

Conditions:
Cystic fibrosis (CF). Also called: MUCOVISCIDOSIS. Identifiers: Orphanet 586, MedGen C0010674, MONDO:0009061, OMIM 219700. Disease mechanism: loss of function.
CFTR-related disorder (CFTR-RD). Also called: CFTR-related condition; CFTR-related disorders. Identifiers: MedGen C5924204, MONDO:7770004.
Fetal anomalies with a likely genetic cause.
Cystic fibrosis diagnostic test.
Congenital bilateral absence of vas deferens. Identifiers: Orphanet 48, MedGen C1865433, MONDO:0018801.
Congenital bilateral aplasia of vas deferens from CFTR mutation (CBAVD). Identifiers: Orphanet 48, MedGen C0403814, MONDO:0010178, OMIM 277180. Disease mechanism: loss of function.
Bronchiectasis with or without elevated sweat chloride 1 (BESC1). Also called: Cystic Fibrosis-Like Syndrome. Identifiers: Orphanet 60033, MedGen C2749757, MONDO:0008887, OMIM 211400.
Hereditary pancreatitis (PCTT). Also called: Hereditary chronic pancreatitis; PRSS1-Related Hereditary Pancreatitis. Identifiers: Orphanet 676, MedGen C0238339, MONDO:0008185, OMIM 167800.
BRONCHIECTASIS WITH OR WITHOUT ELEVATED SWEAT CHLORIDE 1, MODIFIER OF. Identifiers: MedGen C4017631.
Obstructive azoospermia. Identifiers: MedGen C4023106, HP:0011962.

Submissions 1 to 12 of 48:

Molecular Genetics Laboratory, CHU Lille
Classification: Pathogenic for Cystic fibrosis. Last evaluated: 2026-08-19. Review status: criteria provided, single submitter. Criteria: ACMG Guidelines, 2015. Collection method: clinical testing. Allele origin: germline. Affected: yes.
Comment: This variant has been classified as pathogenic by multiple submitters in ClinVar. Based on the available evidence, this variant is classified as pathogenic for CFTR-related disorders associated with reduced penetrance and variable clinical severity.

NHS Central & South Genomic Laboratory Hub
Classification: Pathogenic for Cystic fibrosis diagnostic test. Last evaluated: 2026-08-06. Review status: criteria provided, single submitter. Criteria: ACMG Guidelines, 2015. Collection method: clinical testing. Allele origin: germline. Affected: yes.

3billion
Classification: Likely pathogenic for Cystic fibrosis. Last evaluated: 2026-07-10. Review status: criteria provided, single submitter. Criteria: ACMG Guidelines, 2015. Collection method: clinical testing. Allele origin: germline. Inheritance: Autosomal recessive inheritance. Affected: yes.
Comment: The variant is observed in the gnomAD v4.1.0 dataset (total allele frequency: 2.927%). Predicted Consequence/Location: Intron variant In silico tools do not predict the variant to alter splicing and produce an abnormal transcript [SpliceAI: 0.070 (<=0.1, moderate evidence for non-spliceogenicity)]. The variant has been observed in at least two similarly affected unrelated individuals (ClinVar: VCV000242535.79). The variant has been reported to be in trans (confirmed or potential) with an additional pathogenic variant or VUS in at least one similarly affected unrelated individual (PMID: 27447098). The variant has been reported at least twice as pathogenic with clinical assertions and evidence for the classification (ClinVar ID: VCV000242535.79 / 3billion dataset). Therefore, this variant is classified as Likely pathogenic (PS4_M, PM3_M, PP5_S) according to the recommendation of ACMG/AMP guideline.

CeGaT Center for Human Genetics Tuebingen
Classification: Pathogenic. Last evaluated: 2026-07-01. Review status: criteria provided, single submitter. Criteria: CeGaT Center For Human Genetics Tuebingen Variant Classification Criteria Version 2. Collection method: clinical testing. Allele origin: germline. Affected: yes. Observed: 31 variant alleles.
Comment: CFTR: PM3:Very Strong, PS3:Moderate, PM2:Supporting, BP4

Ambry Genetics
Classification: Pathogenic for Cystic fibrosis. Last evaluated: 2026-02-17. Review status: criteria provided, single submitter. Criteria: Ambry Variant Classification Scheme 2023. Collection method: clinical testing. Allele origin: germline.
Comment: The (TG)11-5T variant, located in intron 9 of the CFTR gene, is an alteration within the poly-thymidine tract, which decreases the efficiency of exon 10 splicing. Based on the available evidence, the CFTR (TG)11-5T alteration is classified as a disease modifying mutation. The Genome Aggregation Database (gnomAD) data for this variant is unreliable due to technical and/or biological issues; therefore, population frequency estimates were not considered. The (TG)11-5T variant in trans with a pathogenic CFTR mutation, or in the homozygous state, has been associated with CFTR-related disorders, including bronchiectasis (Sosnay, 2016), acute recurrent or chronic pancreatitis (Werlin, 2015; Masson, 2013), and congenital bilateral absence of the vas deferens (CBAVD) (Bombieri, 2011). The effect of 5T on exon 10 splicing is influenced by the adjacent TG tract, which usually consists of 11, 12, or 13 TG repeats. Increasing TG tract length correlates with decreased amount of full-length CFTR, thereby leading to higher likelihood of a cystic fibrosis phenotype (Sosnay, 2016); information regarding the number of TG repeats adjacent to the 5T allele is limited in pancreatitis and bronchiectasis research (Mantovani, 2007; Bombieri, 2011). Based on the available evidence, this alteration is classified as pathogenic.

OLLIN Analises Genomicas, OLLIN
Classification: Pathogenic for Cystic fibrosis. Last evaluated: 2026-02-13. Review status: criteria provided, single submitter. Criteria: ACMG Guidelines 2015 PMID 25741868. Collection method: clinical testing. Allele origin: germline. Observed: 2 variant alleles.
Comment: PS3_M, PS4, PM3_VS

Genetics Laboratory, Great Ormond Street Hospital NHS Foundation Trust, North Thames Genomic Laboratory Hub
Classification: Pathogenic for Fetal anomalies with a likely genetic cause. Last evaluated: 2026-02-02. Review status: criteria provided, single submitter. Criteria: ACGS Best Practice Guidelines for Variant Classification in Rare Disease 2024 v1.2. Collection method: clinical testing. Allele origin: germline. Affected: yes.

GeneDx
Classification: Pathogenic. Last evaluated: 2025-10-21. Review status: criteria provided, single submitter. Criteria: GeneDx Variant Classification Process June 2021. Collection method: clinical testing. Allele origin: germline.
Comment: This variant is associated with the following publications: (PMID: 11069835, 16020494, 17394391, 7684646, 28152038, 16263954, 7506096, 14685937, 1381723, 17314234, 18306312, 22430190, 12068373, 7739684, 9435322, 28801929, 18507830, 14993601, 7573058, 8556303, 2344617, 38933898)

Institute of Human Genetics, University of Leipzig Medical Center
Classification: Pathogenic for Cystic fibrosis. Last evaluated: 2025-03-27. Review status: criteria provided, single submitter. Criteria: ACMG Guidelines, 2015. Collection method: clinical testing. Allele origin: unknown. Inheritance: Autosomal recessive inheritance. Affected: yes.

Variantyx, Inc.
Classification: Pathogenic for Cystic fibrosis. Last evaluated: 2025-03-26. Review status: criteria provided, single submitter. Criteria: Variantyx Assertion Criteria 2022. Collection method: clinical testing. Allele origin: germline. Affected: yes.
Comment: This is an intronic variant in the CFTR gene (OMIM: 602421). Pathogenic variants in this gene have been associated with autosomal recessive cystic fibrosis. This variant is also known as 5T, c.1210-12T[5], or c.1210-34TG[11]T[5]. It has been reported in the homozygous or compound heterozygous state in many unrelated affected individuals (PMID: 27447098, 14685937, 16778595, CFTR2 database available at CFTR2) (PM3_Very_Strong). Functional studies have shown that this variant alters the splicing of exon 10 (referred to as exon 9 in some studies) and the residual amount of transcript leading to functional CFTR protein is influenced by the number of adjacent TG repeats (TG11, TG12 or TG13) in cis (on the same allele) (PMID: 7691356, 7684641, 10556281, 27469177, 14685937, 21658649, 9435322) (PS3). This variant has a 5.9210% maximum allele frequency in non-founder control populations. Based on the current evidence, this variant is classified as pathogenic with reduced penetrance for autosomal recessive cystic fibrosis.

Laboratory of Genetics, Children's Clinical University Hospital Latvia
Classification: Pathogenic. Last evaluated: 2025-02-16. Review status: criteria provided, single submitter. Criteria: ACMG Guidelines, 2015. Collection method: clinical testing. Allele origin: germline. Affected: yes.

Women's Health and Genetics/Laboratory Corporation of America, LabCorp
Classification: Pathogenic for Congenital bilateral aplasia of vas deferens from CFTR mutation. Last evaluated: 2025-02-13. Review status: criteria provided, single submitter. Criteria: LabCorp Variant Classification Summary - May 2015. Collection method: clinical testing. Allele origin: germline.
Comment: Variant summary: CFTR c.1210-12[5] (also known as c.5T_TG11 or c.1210-7_1210-6delTT) occurs in the poly T tract in intron 9. 5/5 computational tools predict no significant impact on normal splicing. However, at least one functional study shows a moderate impact to proper CFTR mRNA expression in vitro (Hefferon_2004). The variant has been reported in the literature in numerous individuals affected with Congenital Bilateral Absence of the Vas Deferens, as well as some individuals who are asymptomatic. The variant is associated with CFTR-related disorders when in trans with another severe pathogenic CFTR variant. The penetrance of the c.1210-12[5] variant is influenced by the presence of other variants (e.g. R117H) and the length of the adjacent TG tract on the same allele (in cis). Seven clinical diagnostic laboratories have submitted clinical-significance assessments for this variant to ClinVar after 2014, four of which classified the variant as pathogenic. In addition, ACMG guidelines for reporting CFTR mutations consider the 5T allele as associated as a trans mutation in CBAVD (ACMG guideline_2011). Based on the evidence outlined above, the variant was classified as pathogenic for CBAVD and CFTR-related disorders.

NM_000492.3(CFTR):c.1210-12T[5]

Genes: CFTR-AS1 (CFTR antisense RNA 1; minus strand), CFTR (CF transmembrane conductance regulator; plus strand). Cytogenetic location: 7q31.2.
Variant type: Deletion.
Coding change: c.1210-12T[5] on transcript NM_000492.3; five copies in a row of the base T starting at c.1210-12; the reference has seven copies in a row; two copies deleted.
Molecular consequence: intron variant (on NM_000492.4).
Genome position (GRCh38, 1-based): chr7:117,548,634-117,548,635, TT deleted; deleting any 2 consecutive bases within chr7:117,548,629-117,548,635 gives the same sequence; the position shown is the placement nearest the transcript's 3' end. VCF-style (leftmost placement, unchanged base first): chr7-117548628-GTT-G. GRCh37 (hg19) VCF-style: chr7-117188682-GTT-G.
Other names: 5T/7T/9T; c.1210-7_1210-6delTT (NM_000492.3, NM_000492.4); c.1210-7_1210-6del (NM_000492.4, NM_000492.3); c.1210-12[5] (NM_000492.3); c.1210-12_1210-11del (NM_000492.4).
Identifiers: ClinVar variation 242535 (VCV000242535.87), dbSNP rs1805177, ClinGen allele CA183148.